The following is an entry in ClinVar:

NM_005068.3(SIM1):c.1358A>C (p.His453Pro)

Genes: SIM1 (SIM bHLH transcription factor 1; minus strand), SIM1-AS1 (SIM1 antisense RNA 1; plus strand). Cytogenetic location: 6q16.3.
Variant type: single nucleotide variant.
Coding change: c.1358A>C on transcript NM_005068.3 (MANE Select); coding-DNA position 1358, A replaced by C.
Protein change: p.His453Pro; replaces histidine 453 with proline.
Molecular consequence: missense variant. On other transcripts: non-coding transcript variant (1).
Genome position (GRCh38, 1-based): chr6:100,393,699, T>G on the plus strand (A>C on the coding strand, the complement: SIM1 is on the minus strand). VCF-style: chr6-100393699-T-G. GRCh37 (hg19) VCF-style: chr6-100841575-T-G.
Other names: c.1358A>C, p.His453Pro (NM_001374769.1); short protein forms H453P.
Identifiers: ClinVar variation 3349813 (VCV003349813.1).

ClinVar aggregate classification (germline): Uncertain significance (0 of 4 stars; one submission).

Conditions:
SIM1-related disorder. Also called: SIM1-related condition; SIM1-related disorders.

gnomAD v4.1: 1 of 1,613,914 alleles (0.000062%); highest among the groups gnomAD compares: Non-Finnish European, 0.000085%; no homozygotes.

Submission:

PreventionGenetics, part of Exact Sciences
Classification: Uncertain significance for SIM1-related condition. Last evaluated: 2024-02-23. Review status: no assertion criteria provided. Collection method: clinical testing. Allele origin: germline.
Comment: The SIM1 c.1358A>C variant is predicted to result in the amino acid substitution p.His453Pro. To our knowledge, this variant has not been reported in the literature or in a large population database, indicating this variant is rare. At this time, the clinical significance of this variant is uncertain due to the absence of conclusive functional and genetic evidence.